The following is an entry in ClinVar:

ClinVar aggregate classification (germline): Pathogenic (1 of 4 stars; one submission).

Conditions:
Duchenne muscular dystrophy (DMD). Also called: Duchenne Muscular Dystrophy (DMD); MUSCULAR DYSTROPHY, PSEUDOHYPERTROPHIC PROGRESSIVE, DUCHENNE TYPE. Identifiers: Orphanet 98896, MedGen C0013264, MONDO:0010679, OMIM 310200.

Submission:

Labcorp Genetics (formerly Invitae), Labcorp
Classification: Pathogenic for Duchenne muscular dystrophy. Last evaluated: 2022-12-27. Review status: criteria provided, single submitter. Criteria: Invitae Variant Classification Sherloc (09022015). Collection method: clinical testing. Allele origin: germline.
Comment: For these reasons, this variant has been classified as Pathogenic. This variant disrupts a region of the DMD protein in which other variant(s) (Deletion (Exon 13)) have been determined to be pathogenic (PMID: 18353051, 22379338, 28116794, 28610567). This suggests that this is a clinically significant region of the protein, and that variants that disrupt it are likely to be disease-causing. A similar copy number variant has been observed in individuals with Becker muscular dystrophy (PMID: 22776072, 31705731). This variant is a gross deletion of the genomic region encompassing exon(s) 10-26 of the DMD gene. This variant would be expected to be in-frame, preserving the integrity of the reading frame.

Literature cited by the submitters: PubMed 18353051; PubMed 22379338; PubMed 28116794; PubMed 28610567; PubMed 22776072; PubMed 31705731.

NC_000023.10:g.(?_32472759)_(32663289_?)del

Gene: DMD (dystrophin; minus strand). Cytogenetic location: Xp21.1.
Variant type: Deletion.
Identifiers: ClinVar variation 2424882 (VCV002424882.5).